The following is an entry in ClinVar:

NM_001370259.2(MEN1):c.199C>G (p.Pro67Ala)

Gene: MEN1 (menin 1; minus strand). Cytogenetic location: 11q13.1.
Variant type: single nucleotide variant.
Coding change: c.199C>G on transcript NM_001370259.2 (MANE Select); coding-DNA position 199, C replaced by G.
Protein change: p.Pro67Ala; replaces proline 67 with alanine.
Molecular consequence: missense variant. On other transcripts: non-coding transcript variant (4).
Genome position (GRCh38, 1-based): chr11:64,809,911, G>C on the plus strand (C>G on the coding strand, the complement: MEN1 is on the minus strand). VCF-style: chr11-64809911-G-C. GRCh37 (hg19) VCF-style: chr11-64577383-G-C.
Other names: c.199C>G, p.Pro67Ala (NM_001407150.1, NM_001407151.1, NM_001407152.1 and 20 more transcripts); short protein forms P67A.
Identifiers: ClinVar variation 2450244 (VCV002450244.3), dbSNP rs2136189920, ClinGen allele CA381187661.

ClinVar aggregate classification (germline): Uncertain significance. Review status: criteria provided, multiple submitters, no conflicts (2 of 4 stars). 2 submissions from 2 submitters: Uncertain significance (2). Last evaluated 2025-02-23.

Conditions:
Multiple endocrine neoplasia, type 1 (MEN1). Also called: MEN I; WERMER SYNDROME; MEA I; Endocrine adenomatosis multiple; MEN 1. Identifiers: Orphanet 652, MedGen C0025267, MeSH D018761, MONDO:0007540, OMIM 131100.
Hereditary cancer-predisposing syndrome. Also called: Hereditary neoplastic syndrome; Tumor predisposition; Neoplastic Syndromes, Hereditary; Hereditary Cancer Syndrome. Identifiers: Orphanet 140162, MedGen C0027672, MeSH D009386, MONDO:0015356.

Submissions (2):

Labcorp Genetics (formerly Invitae), Labcorp
Classification: Uncertain significance for Multiple endocrine neoplasia, type 1. Last evaluated: 2025-02-23. Review status: criteria provided, single submitter. Criteria: Invitae Variant Classification Sherloc (09022015). Collection method: clinical testing. Allele origin: germline.
Comment: This sequence change replaces proline, which is neutral and non-polar, with alanine, which is neutral and non-polar, at codon 67 of the MEN1 protein (p.Pro67Ala). This variant is not present in population databases (gnomAD no frequency). This variant has not been reported in the literature in individuals affected with MEN1-related conditions. ClinVar contains an entry for this variant (Variation ID: 2450244). Invitae Evidence Modeling of protein sequence and biophysical properties (such as structural, functional, and spatial information, amino acid conservation, physicochemical variation, residue mobility, and thermodynamic stability) has been performed for this missense variant. However, the output from this modeling did not meet the statistical confidence thresholds required to predict the impact of this variant on MEN1 protein function. In summary, the available evidence is currently insufficient to determine the role of this variant in disease. Therefore, it has been classified as a Variant of Uncertain Significance.

Ambry Genetics
Classification: Uncertain significance for Hereditary cancer-predisposing syndrome. Last evaluated: 2023-03-08. Review status: criteria provided, single submitter. Criteria: Ambry Variant Classification Scheme 2023. Collection method: clinical testing. Allele origin: germline.
Comment: The p.P67A variant (also known as c.199C>G), located in coding exon 1 of the MEN1 gene, results from a C to G substitution at nucleotide position 199. The proline at codon 67 is replaced by alanine, an amino acid with highly similar properties. This amino acid position is conserved. In addition, the in silico prediction for this alteration is inconclusive. Since supporting evidence is limited at this time, the clinical significance of this alteration remains unclear.